The following is an entry in ClinVar:

ClinVar aggregate classification (germline): Conflicting classifications of pathogenicity. Review status: criteria provided, conflicting classifications (1 of 4 stars). 2 submissions from 2 submitters: Pathogenic (1); Uncertain significance (1). Last evaluated 2024-07-02.

Conditions:
Charcot-Marie-Tooth disease axonal type 2S. Also called: CHARCOT-MARIE-TOOTH NEUROPATHY, TYPE 2S; CHARCOT-MARIE-TOOTH DISEASE, AXONAL, AUTOSOMAL RECESSIVE, TYPE 2S. Identifiers: Orphanet 443073, MedGen C4015349, MONDO:0014511, OMIM 616155.
Autosomal recessive distal spinal muscular atrophy 1. Also called: HMN VI; NEURONOPATHY, DISTAL HEREDITARY MOTOR, HARDING TYPE VI; NEUROPATHY, DISTAL HEREDITARY MOTOR, AUTOSOMAL RECESSIVE 1; NEURONOPATHY, SEVERE INFANTILE AXONAL, WITH RESPIRATORY FAILURE; SEVERE INFANTILE AXONAL NEUROPATHY WITH RESPIRATORY FAILURE; SPINAL MUSCULAR ATROPHY, DIAPHRAGMATIC. Identifiers: Orphanet 98920, MedGen C1858517, MONDO:0011436, OMIM 604320.

Allele frequency attached by ClinVar (database versions not stated): gnomAD exomes below 0.00001.

Submissions (2):

GeneDx
Classification: Pathogenic. Last evaluated: 2024-07-02. Review status: criteria provided, single submitter. Criteria: GeneDx Variant Classification Process June 2021. Collection method: clinical testing. Allele origin: germline. Affected: yes.
Comment: Not observed at significant frequency in large population cohorts (gnomAD); In silico analysis supports that this missense variant has a deleterious effect on protein structure/function; Has not been previously published as pathogenic or benign to our knowledge; This variant is associated with the following publications: (PMID: 24388491, 25439726, 22965130)

Labcorp Genetics (formerly Invitae), Labcorp
Classification: Uncertain significance for Autosomal recessive distal spinal muscular atrophy 1; Charcot-Marie-Tooth disease axonal type 2S. Last evaluated: 2022-04-27. Review status: criteria provided, single submitter. Criteria: Invitae Variant Classification Sherloc (09022015). Collection method: clinical testing. Allele origin: germline.
Comment: This sequence change replaces lysine, which is basic and polar, with asparagine, which is neutral and polar, at codon 220 of the IGHMBP2 protein (p.Lys220Asn). This variant is not present in population databases (gnomAD no frequency). This missense change has been observed in individual(s) with clinical features of distal hereditary motor neuropathy (PMID: 25326637, 26633542, 30755392). In at least one individual the data is consistent with being in trans (on the opposite chromosome) from a pathogenic variant. Algorithms developed to predict the effect of missense changes on protein structure and function are either unavailable or do not agree on the potential impact of this missense change (SIFT: "Deleterious"; PolyPhen-2: "Probably Damaging"; Align-GVGD: "Class C0"). In summary, the available evidence is currently insufficient to determine the role of this variant in disease. Therefore, it has been classified as a Variant of Uncertain Significance.

Literature cited by the submitters: PubMed 25326637 (cited by Labcorp Genetics (formerly Invitae), Labcorp); PubMed 26633542 (cited by Labcorp Genetics (formerly Invitae), Labcorp); PubMed 30755392 (cited by Labcorp Genetics (formerly Invitae), Labcorp).

NM_002180.3(IGHMBP2):c.660A>T (p.Lys220Asn)

Gene: IGHMBP2 (immunoglobulin mu DNA binding protein 2; plus strand). Cytogenetic location: 11q13.3.
Variant type: single nucleotide variant.
Coding change: c.660A>T on transcript NM_002180.3 (MANE Select); coding-DNA position 660, A replaced by T.
Protein change: p.Lys220Asn; replaces lysine 220 with asparagine.
Molecular consequence: missense variant.
Genome position (GRCh38, 1-based): chr11:68,911,552, A>T. VCF-style: chr11-68911552-A-T. GRCh37 (hg19) VCF-style: chr11-68679020-A-T.
Other names: short protein forms K220N.
Identifiers: ClinVar variation 1960191 (VCV001960191.3), dbSNP rs863224881, ClinGen allele CA381643934.